The following is an entry in ClinVar:

NM_020949.3(SLC7A14):c.448G>A (p.Gly150Arg)

Genes: SLC7A14 (solute carrier family 7 member 14; minus strand), SLC7A14-AS1 (SLC7A14 antisense RNA 1; plus strand). Cytogenetic location: 3q26.2.
Variant type: single nucleotide variant.
Coding change: c.448G>A on transcript NM_020949.3 (MANE Select); coding-DNA position 448, G replaced by A.
Protein change: p.Gly150Arg; replaces glycine 150 with arginine.
Molecular consequence: missense variant.
Genome position (GRCh38, 1-based): chr3:170,501,202, C>T on the plus strand (G>A on the coding strand, the complement: SLC7A14 is on the minus strand). VCF-style: chr3-170501202-C-T. GRCh37 (hg19) VCF-style: chr3-170218991-C-T.
Other names: short protein forms G150R.
Identifiers: ClinVar variation 1902343 (VCV001902343.7), dbSNP rs146405741, ClinGen allele CA2701931.
Genomic context (GRCh38, chr3:170,501,202, plus strand): 5'-TCCAGCGGCTGATGGTGTGGTTGGCTAGTGAGTCAAACATGCTGCTCAGAGCACTGGCTC[C>T]GGCCGCAGTGCCAATCAGGTACTCCAGGATCAGGTTCCAGCCAATGAAAAATGCCACAAA-3'
Protein context (NP_066000.2, residues 140-160): ILEYLIGTAA[Gly150Arg]ASALSSMFDS

ClinVar aggregate classification (germline): Uncertain significance. Review status: criteria provided, multiple submitters, no conflicts (2 of 4 stars). 3 submissions from 3 submitters: Uncertain significance (3). Last evaluated 2024-11-09.

Allele frequency attached by ClinVar (database versions not stated): ExAC 0.00002; gnomAD exomes 0.00002; gnomAD 0.00007; TOPMed 0.00010; ESP Exome Variant Server 0.00015.
gnomAD v4.1: 41 of 1,614,082 alleles (0.0025%); highest among the groups gnomAD compares: African/African-American, 0.025%; no homozygotes.

Submissions (3):

Ambry Genetics
Classification: Uncertain significance. Last evaluated: 2024-11-09. Review status: criteria provided, single submitter. Criteria: Ambry Variant Classification Scheme 2023. Collection method: clinical testing. Allele origin: germline.

Labcorp Genetics (formerly Invitae), Labcorp
Classification: Uncertain significance. Last evaluated: 2024-05-09. Review status: criteria provided, single submitter. Criteria: Invitae Variant Classification Sherloc (09022015). Collection method: clinical testing. Allele origin: germline.
Comment: This sequence change replaces glycine, which is neutral and non-polar, with arginine, which is basic and polar, at codon 150 of the SLC7A14 protein (p.Gly150Arg). This variant is present in population databases (rs146405741, gnomAD 0.03%). This variant has not been reported in the literature in individuals affected with SLC7A14-related conditions. ClinVar contains an entry for this variant (Variation ID: 1902343). An algorithm developed to predict the effect of missense changes on protein structure and function (PolyPhen-2) suggests that this variant is likely to be disruptive. In summary, the available evidence is currently insufficient to determine the role of this variant in disease. Therefore, it has been classified as a Variant of Uncertain Significance.

Blueprint Genetics
Classification: Uncertain significance. Last evaluated: 2023-09-01. Review status: criteria provided, single submitter. Criteria: ACMG Guidelines, 2015. Collection method: clinical testing. Allele origin: germline.